The following is an entry in ClinVar:

ClinVar aggregate classification (germline): Uncertain significance. Review status: criteria provided, multiple submitters, no conflicts (2 of 4 stars). 3 submissions from 3 submitters: Uncertain significance (3). Last evaluated 2024-06-09.

Conditions:
Cardiomyopathy (CMYO). Also called: Cardiomyopathies. Identifiers: Orphanet 167848, MedGen C0878544, MONDO:0004994, HP:0001638. Inheritance: Various modes of inheritance.
Hypertrophic cardiomyopathy. Also called: HYPERTROPHIC MYOCARDIOPATHY. Identifiers: Orphanet 217569, MedGen C0007194, MeSH D002312, MONDO:0005045, HP:0001639.

Allele frequency attached by ClinVar (database versions not stated): gnomAD exomes below 0.00001; gnomAD 0.00001; TOPMed 0.00001.
gnomAD v4.1: 2 of 1,614,072 alleles (0.00012%); no homozygotes.

Submissions (3):

All of Us Research Program, National Institutes of Health
Classification: Uncertain significance for Cardiomyopathy. Last evaluated: 2024-06-09. Review status: criteria provided, single submitter. Criteria: ACMG Guidelines, 2015. Collection method: clinical testing. Allele origin: germline. Inheritance: Autosomal dominant inheritance. Observed: 1 variant allele, 1 heterozygote.
Comment: This missense variant replaces glutamic acid with lysine at codon 806 of the MYH7 protein. Computational prediction tools indicate that this variant has a deleterious impact on protein structure and function. This variant is found within a highly conserved region of the myosin head domain. Missense variants in this region have been shown to be significantly overrepresented in individuals with affected with hypertrophic cardiomyopathy (PMID: 27532257). To our knowledge, functional studies have not been reported for this variant. This variant has not been reported in individuals affected with MYH7-related disorders in the literature. This variant has not been identified in the general population by the Genome Aggregation Database (gnomAD). The available evidence is insufficient to determine the role of this variant in disease conclusively. Therefore, this variant is classified as a Variant of Uncertain Significance.

This study involves interpretation of variants in research participants for the purpose of population health screening. Participant phenotype was not available at the time of variant classification. Additional details can be found in publication PMID: 35346344, PMCID: PMC8962531

Labcorp Genetics (formerly Invitae), Labcorp
Classification: Uncertain significance for Hypertrophic cardiomyopathy. Last evaluated: 2019-10-02. Review status: criteria provided, single submitter. Criteria: Invitae Variant Classification Sherloc (09022015). Collection method: clinical testing. Allele origin: germline.
Comment: This sequence change replaces glutamic acid with lysine at codon 806 of the MYH7 protein (p.Glu806Lys). The glutamic acid residue is highly conserved and there is a small physicochemical difference between glutamic acid and lysine. In summary, the available evidence is currently insufficient to determine the role of this variant in disease. Therefore, it has been classified as a Variant of Uncertain Significance. This variant is found within a region of MYH7 between codons 181 and 937 that contains the majority of the myosin head domain. Missense variants in this region have been shown to be significantly overrepresented in individuals with hypertrophic cardiomyopathy (PMID: 27532257). Algorithms developed to predict the effect of missense changes on protein structure and function are either unavailable or do not agree on the potential impact of this missense change (SIFT: "Deleterious"; PolyPhen-2: "Benign"; Align-GVGD: "Class C55"). This variant has not been reported in the literature in individuals with MYH7-related conditions. ClinVar contains an entry for this variant (Variation ID: 181184). This variant is not present in population databases (ExAC no frequency).

GeneDx
Classification: Uncertain significance. Last evaluated: 2014-04-01. Review status: criteria provided, single submitter. Criteria: GeneDx Variant Classification (06012015). Collection method: clinical testing. Allele origin: germline. Affected: yes.
Comment: p.Glu806Lys (GAA>AAA): c.2416 G>A in exon 21 of the MYH7 gene (NM_000257.2). The E806K variant has not been published as a mutation or as a benign polymorphism to our knowledge. The E806K variant was not observed in approximately 6,500 individuals of European and African American ancestry in the NHLBI Exome Sequencing Project, indicating it is not a common benign variant in these populations. The E806K variant is a non-conservative amino acid substitution, which is likely to impact secondary protein structure as these residues differ in polarity, charge, size and/or other properties. This substitution occurs at a position that is conserved across species. Missense mutations in nearby residues (A797T, A797P, L796F) have been reported in association with HCM, supporting the functional importance of this region of the protein. Nevertheless, in silico analysis is inconsistent in its predictions as to whether or not the variant is damaging to the protein structure/function. Therefore, based on the currently available information, it is unclear whether this variant is a pathogenic mutation or a rare benign variant. The variant is found in HCM panel(s).

Literature cited by the submitters: PubMed 27532257 (cited by All of Us Research Program, National Institutes of Health and Labcorp Genetics (formerly Invitae), Labcorp).

NM_000257.4(MYH7):c.2416G>A (p.Glu806Lys)

Genes: MYH7 (myosin heavy chain 7; minus strand), LOC126861898 (BRD4-independent group 4 enhancer GRCh37_chr14:23893609-23894808; plus strand). Cytogenetic location: 14q11.2.
Variant type: single nucleotide variant.
Coding change: c.2416G>A on transcript NM_000257.4 (MANE Select); coding-DNA position 2416, G replaced by A.
Protein change: p.Glu806Lys; replaces glutamic acid 806 with lysine.
Molecular consequence: missense variant.
Genome position (GRCh38, 1-based): chr14:23,425,289, C>T on the plus strand (G>A on the coding strand, the complement: MYH7 is on the minus strand). VCF-style: chr14-23425289-C-T. GRCh37 (hg19) VCF-style: chr14-23894498-C-T.
Other names: p.E806K:GAA>AAA; c.2416G>A (LRG_384t1); short protein forms E806K.
Identifiers: ClinVar variation 181184 (VCV000181184.11), dbSNP rs730880738, ClinGen allele CA012304.